The following is an entry in ClinVar:

NM_002156.5(HSPD1):c.238G>A (p.Val80Ile)

Gene: HSPD1 (heat shock protein family D (Hsp60) member 1; minus strand). Cytogenetic location: 2q33.1.
Variant type: single nucleotide variant.
Coding change: c.238G>A on transcript NM_002156.5 (MANE Select); coding-DNA position 238, G replaced by A.
Protein change: p.Val80Ile; replaces valine 80 with isoleucine.
Molecular consequence: missense variant.
Genome position (GRCh38, 1-based): chr2:197,497,329, C>T on the plus strand (G>A on the coding strand, the complement: HSPD1 is on the minus strand). VCF-style: chr2-197497329-C-T. GRCh37 (hg19) VCF-style: chr2-198362053-C-T.
Other names: c.238G>A, p.Val80Ile (NM_199440.2); c.238G>A (NM_002156.4); short protein forms V80I.
Identifiers: ClinVar variation 2014241 (VCV002014241.5), dbSNP rs2470123049, ClinGen allele CA350203882.

ClinVar aggregate classification (germline): Uncertain significance. Review status: criteria provided, multiple submitters, no conflicts (2 of 4 stars). 2 submissions from 2 submitters: Uncertain significance (2). Last evaluated 2022-12-01.

Conditions:
Spastic paraplegia. Identifiers: MedGen C0037772, HP:0001258.

Submissions (2):

GeneDx
Classification: Uncertain significance. Last evaluated: 2022-12-01. Review status: criteria provided, single submitter. Criteria: GeneDx Variant Classification Process June 2021. Collection method: clinical testing. Allele origin: germline. Affected: yes.
Comment: Not observed at significant frequency in large population cohorts (gnomAD); In silico analysis supports that this missense variant does not alter protein structure/function; Has not been previously published as pathogenic or benign to our knowledge

Labcorp Genetics (formerly Invitae), Labcorp
Classification: Uncertain significance for Spastic paraplegia. Last evaluated: 2022-10-13. Review status: criteria provided, single submitter. Criteria: Invitae Variant Classification Sherloc (09022015). Collection method: clinical testing. Allele origin: germline.
Comment: This variant is not present in population databases (gnomAD no frequency). This sequence change replaces valine, which is neutral and non-polar, with isoleucine, which is neutral and non-polar, at codon 80 of the HSPD1 protein (p.Val80Ile). Advanced modeling of protein sequence and biophysical properties (such as structural, functional, and spatial information, amino acid conservation, physicochemical variation, residue mobility, and thermodynamic stability) performed at Invitae indicates that this missense variant is not expected to disrupt HSPD1 protein function. In summary, the available evidence is currently insufficient to determine the role of this variant in disease. Therefore, it has been classified as a Variant of Uncertain Significance. This variant has not been reported in the literature in individuals affected with HSPD1-related conditions.